The following is an entry in ClinVar:

ClinVar aggregate classification (germline): Uncertain significance (1 of 4 stars; one submission).

Conditions:
Neuropathy, hereditary sensory, type 1F. Also called: HSN IF; Hereditary sensory neuropathy type IF. Identifiers: Orphanet 36386, MedGen C3810194, MONDO:0014286, OMIM 615632.

Allele frequency attached by ClinVar (database versions not stated): gnomAD exomes below 0.00001; TOPMed below 0.00001; gnomAD 0.00001.
gnomAD v4.1: 2 of 1,606,900 alleles (0.00012%); highest among the groups gnomAD compares: Non-Finnish European, 0.00017%; no homozygotes.

Submission:

Labcorp Genetics (formerly Invitae), Labcorp
Classification: Uncertain significance for Neuropathy, hereditary sensory, type 1F. Last evaluated: 2023-05-23. Review status: criteria provided, single submitter. Criteria: Invitae Variant Classification Sherloc (09022015). Collection method: clinical testing. Allele origin: germline.
Comment: In summary, the available evidence is currently insufficient to determine the role of this variant in disease. Therefore, it has been classified as a Variant of Uncertain Significance. Advanced modeling of protein sequence and biophysical properties (such as structural, functional, and spatial information, amino acid conservation, physicochemical variation, residue mobility, and thermodynamic stability) performed at Invitae indicates that this missense variant is expected to disrupt ATL3 protein function. ClinVar contains an entry for this variant (Variation ID: 999274). This variant has not been reported in the literature in individuals affected with ATL3-related conditions. This variant is not present in population databases (gnomAD no frequency). This sequence change replaces valine, which is neutral and non-polar, with glycine, which is neutral and non-polar, at codon 138 of the ATL3 protein (p.Val138Gly).

NM_015459.5(ATL3):c.413T>G (p.Val138Gly)

Genes: ATL3 (atlastin GTPase 3; minus strand), LNCROPM (lncRNA regulator of PLAAT3 mediated phospholipid metabolism; plus strand). Cytogenetic location: 11q13.1.
Variant type: single nucleotide variant.
Coding change: c.413T>G on transcript NM_015459.5 (MANE Select); coding-DNA position 413, T replaced by G.
Protein change: p.Val138Gly; replaces valine 138 with glycine.
Molecular consequence: missense variant.
Genome position (GRCh38, 1-based): chr11:63,652,568, A>C on the plus strand (T>G on the coding strand, the complement: ATL3 is on the minus strand). VCF-style: chr11-63652568-A-C. GRCh37 (hg19) VCF-style: chr11-63420040-A-C.
Other names: c.359T>G, p.Val120Gly (NM_001290048.2); short protein forms V120G, V138G.
Identifiers: ClinVar variation 999274 (VCV000999274.8), dbSNP rs914681641, ClinGen allele CA223748168.